The following is an entry in ClinVar:

NM_194454.3(KRIT1):c.845+1G>A

Gene: KRIT1 (KRIT1 ankyrin repeat containing; minus strand). Cytogenetic location: 7q21.2.
Variant type: single nucleotide variant.
Coding change: c.845+1G>A on transcript NM_194454.3 (MANE Select); the canonical splice donor site of the intron after coding-DNA position 845, G replaced by A.
Molecular consequence: splice donor variant.
Genome position (GRCh38, 1-based): chr7:92,234,807, C>T on the plus strand (G>A on the coding strand, the complement: KRIT1 is on the minus strand). VCF-style: chr7-92234807-C-T. GRCh37 (hg19) VCF-style: chr7-91864121-C-T.
Other names: c.845+1G>A (NM_001350672.1, NM_001350676.1, NM_001350673.1 and 29 more transcripts); c.131+1G>A (NM_001350671.1).
Identifiers: ClinVar variation 590756 (VCV000590756.7), dbSNP rs1563302941, ClinGen allele CA368158223.

ClinVar aggregate classification (germline): Pathogenic. Review status: criteria provided, multiple submitters, no conflicts (2 of 4 stars). 2 submissions from 2 submitters: Pathogenic (2). Last evaluated 2023-12-19.

Conditions:
Cerebral cavernous malformation (CCM). Also called: Cavernous Hemangioma of Brain; Cerebral cavernous hemangioma (type); Cerebral cavernous malformations; CAVERNOUS ANGIOMA, FAMILIAL; CAVERNOUS ANGIOMATOUS MALFORMATIONS; CEREBRAL CAPILLARY MALFORMATIONS. Identifiers: Orphanet 221061, MedGen C2919945, MONDO:0000820, OMIM 116860, HP:0033522.

Allele frequency attached by ClinVar (database versions not stated): gnomAD exomes below 0.00001.
gnomAD v4.1: 1 of 1,543,572 alleles (0.000065%); highest among the groups gnomAD compares: Non-Finnish European, 0.00009%; no homozygotes.

Submissions (2):

Labcorp Genetics (formerly Invitae), Labcorp
Classification: Pathogenic for Cerebral cavernous malformation. Last evaluated: 2023-12-19. Review status: criteria provided, single submitter. Criteria: Invitae Variant Classification Sherloc (09022015). Collection method: clinical testing. Allele origin: germline.
Comment: This sequence change affects a donor splice site in intron 10 of the KRIT1 gene. It is expected to disrupt RNA splicing. Variants that disrupt the donor or acceptor splice site typically lead to a loss of protein function (PMID: 16199547), and loss-of-function variants in KRIT1 are known to be pathogenic (PMID: 10508515, 11222804, 12404106, 24689081). This variant is not present in population databases (gnomAD no frequency). Disruption of this splice site has been observed in individual(s) with cerebral cavernous malformations (PMID: 24689081, 27766163). It has also been observed to segregate with disease in related individuals. ClinVar contains an entry for this variant (Variation ID: 590756). Algorithms developed to predict the effect of sequence changes on RNA splicing suggest that this variant may disrupt the consensus splice site. For these reasons, this variant has been classified as Pathogenic.

PreventionGenetics, part of Exact Sciences
Classification: Pathogenic. Last evaluated: 2016-03-23. Review status: criteria provided, single submitter. Criteria: ACMG Guidelines, 2015. Collection method: clinical testing. Allele origin: germline.

Literature cited by the submitters: PubMed 16199547 (cited by Labcorp Genetics (formerly Invitae), Labcorp); PubMed 10508515 (cited by Labcorp Genetics (formerly Invitae), Labcorp); PubMed 11222804 (cited by Labcorp Genetics (formerly Invitae), Labcorp); PubMed 12404106 (cited by Labcorp Genetics (formerly Invitae), Labcorp); PubMed 24689081 (cited by Labcorp Genetics (formerly Invitae), Labcorp); PubMed 27766163 (cited by Labcorp Genetics (formerly Invitae), Labcorp).